The following is an entry in ClinVar:

NM_000238.4(KCNH2):c.3103del (p.Arg1035fs)

Gene: KCNH2 (potassium voltage-gated channel subfamily H member 2; minus strand). Cytogenetic location: 7q36.1.
Variant type: Deletion.
Coding change: c.3103del on transcript NM_000238.4 (MANE Select); coding-DNA position 3103, one base deleted (C; older notation c.3103delC).
Protein change: p.Arg1035fs; shifts the reading frame from arginine 1035.
Molecular consequence: frameshift variant. On other transcripts: non-coding transcript variant (2).
Genome position (GRCh38, 1-based): chr7:150,947,377, G deleted on the plus strand (C on the coding strand, the reverse complement: KCNH2 is on the minus strand); the first of 4 consecutive G bases (chr7:150,947,377-150,947,380); deleting any one gives the same sequence. VCF-style (leftmost placement, unchanged base first): chr7-150947376-CG-C. GRCh37 (hg19) VCF-style: chr7-150644464-CG-C.
Other names: c.3100delC, p.Arg1035Glyfs (NM_000238.3); c.2815del, p.Arg939fs (NM_001406753.1); c.2083del, p.Arg695fs (NM_172057.3); c.3103delC (NM_000238.2, NM_000238.3); short protein forms R695fs, R1035fs, R939fs.
Identifiers: ClinVar variation 200701 (VCV000200701.25), dbSNP rs794728468, ClinGen allele CA007936.

ClinVar aggregate classification (germline): Pathogenic. Review status: criteria provided, multiple submitters, no conflicts (2 of 4 stars). 4 submissions from 4 submitters: Pathogenic (4). Last evaluated 2026-08-07.

Conditions:
Cardiovascular phenotype. Identifiers: MedGen CN230736.
Long QT syndrome (LQTS). Identifiers: MedGen C0023976, MeSH D008133, MONDO:0002442. Disease mechanism: loss of function. Inheritance: Various modes of inheritance.

Submissions (4):

GeneDx
Classification: Pathogenic. Last evaluated: 2026-08-07. Review status: criteria provided, single submitter. Criteria: GeneDx Variant Classification Process June 2021. Collection method: clinical testing. Allele origin: germline.
Comment: Frameshift variant predicted to result in protein truncation or nonsense mediated decay in a gene for which loss-of-function is a known mechanism of disease; Not observed at significant frequency in large population cohorts (gnomAD); This variant is associated with the following publications: (PMID: 16414944, 15840476, 19862833, 32695588, 36861347, 21063070)

Ambry Genetics
Classification: Pathogenic for Cardiovascular phenotype. Last evaluated: 2025-06-05. Review status: criteria provided, single submitter. Criteria: Ambry Variant Classification Scheme 2023. Collection method: clinical testing. Allele origin: germline.
Comment: The c.3103delC pathogenic mutation, located in coding exon 13 of the KCNH2 gene, results from a deletion of one nucleotide at nucleotide position 3103, causing a translational frameshift with a predicted alternate stop codon (p.R1035Gfs*22). This variant (also referred to as del 3103 P1034fs/21*) was reported in individual(s) with features consistent with long QT syndrome (Tester DJ et al. Heart Rhythm, 2005 May;2:507-17; Otsuki S et al. Heart Rhythm Case Rep, 2020 Jul;6:407-410; Ambry internal data). This alteration is expected to result in loss of function by premature protein truncation or nonsense-mediated mRNA decay. As such, this alteration is interpreted as a disease-causing mutation.

Labcorp Genetics (formerly Invitae), Labcorp
Classification: Pathogenic for Long QT syndrome. Last evaluated: 2024-05-12. Review status: criteria provided, single submitter. Criteria: Invitae Variant Classification Sherloc (09022015). Collection method: clinical testing. Allele origin: germline.
Comment: This sequence change creates a premature translational stop signal (p.Arg1035Glyfs*22) in the KCNH2 gene. It is expected to result in an absent or disrupted protein product. Loss-of-function variants in KCNH2 are known to be pathogenic (PMID: 10973849, 19862833). This variant is not present in population databases (gnomAD no frequency). This premature translational stop signal has been observed in individual(s) with long QT syndrome (PMID: 15840476, 21063070). This variant is also known as P1034fs/21*. ClinVar contains an entry for this variant (Variation ID: 200701). For these reasons, this variant has been classified as Pathogenic.

Eurofins Ntd Llc (ga)
Classification: Pathogenic. Last evaluated: 2015-07-02. Review status: criteria provided, single submitter. Criteria: EGL Classification Definitions 2015. Collection method: clinical testing. Allele origin: germline. Observed: 2 variant alleles, 2 heterozygotes.

Literature cited by the submitters: PubMed 15840476 (cited by 3 submitters); PubMed 32695588 (cited by Ambry Genetics); PubMed 10973849 (cited by Labcorp Genetics (formerly Invitae), Labcorp); PubMed 19862833 (cited by Labcorp Genetics (formerly Invitae), Labcorp); PubMed 21063070 (cited by Labcorp Genetics (formerly Invitae), Labcorp).